The following is an entry in ClinVar:

NM_000540.3(RYR1):c.12218C>T (p.Ser4073Phe)

Gene: RYR1 (ryanodine receptor 1; plus strand). Cytogenetic location: 19q13.2.
Variant type: single nucleotide variant.
Coding change: c.12218C>T on transcript NM_000540.3 (MANE Select); coding-DNA position 12218, C replaced by T.
Protein change: p.Ser4073Phe; replaces serine 4073 with phenylalanine.
Molecular consequence: missense variant.
Genome position (GRCh38, 1-based): chr19:38,548,356, C>T. VCF-style: chr19-38548356-C-T. GRCh37 (hg19) VCF-style: chr19-39038996-C-T.
Other names: c.12203C>T, p.Ser4068Phe (NM_001042723.2); short protein forms S4073F, S4068F.
Identifiers: ClinVar variation 329113 (VCV000329113.9), dbSNP rs763042731, ClinGen allele CA058458.

ClinVar aggregate classification (germline): Uncertain significance. Review status: criteria provided, multiple submitters, no conflicts (2 of 4 stars). 6 submissions from 4 submitters: Uncertain significance (6). Last evaluated 2025-04-02.

Conditions:
Inborn genetic diseases. Identifiers: MedGen C0950123, MeSH D030342.
Central core myopathy (CMYO1A). Also called: Central core disease; Myopathy, central fibrillar; CONGENITAL MYOPATHY 1A, AUTOSOMAL DOMINANT, WITH SUSCEPTIBILITY TO MALIGNANT HYPERTHERMIA. Identifiers: Orphanet 597, MedGen C5830701, MONDO:0007294, OMIM 117000.
Malignant hyperthermia, susceptibility to, 1 (MHS1). Also called: Anesthesia related hyperthermia; Malignant hyperpyrexia; Fulminating hyperpyrexia; Pharmacogenic myopathy; RYR1-Related Malignant Hyperthermia Susceptibility; Malignant hyperthermia suceptibility 1. Identifiers: Orphanet 423, MedGen C2930980, MONDO:0007783, OMIM 145600.
Congenital multicore myopathy with external ophthalmoplegia (CMYO1B). Also called: MULTICORE MYOPATHY; Minicore myopathy with external ophthalmoplegia; Congenital myopathy 1B, autosomal recessive; Minicore myopathy; MULTIMINICORE DISEASE WITH EXTERNAL OPHTHALMOPLEGIA. Identifiers: Orphanet 598, Orphanet 98905, MedGen C1850674, MONDO:0009712, OMIM 255320, HP:0003789.
Congenital myopathy with fiber type disproportion. Also called: Congenital fiber-type disproportion; Congenital fiber-type disproportion myopathy. Identifiers: Orphanet 2020, MedGen C0546264, MONDO:0009711. Inheritance: all.
King Denborough syndrome (KDS). Identifiers: MedGen C1840365, MONDO:0020485, OMIM 619542.

Allele frequency attached by ClinVar (database versions not stated): gnomAD exomes below 0.00001; TOPMed below 0.00001; ExAC 0.00001; gnomAD 0.00001.
gnomAD v4.1: 6 of 1,614,066 alleles (0.00037%); highest among the groups gnomAD compares: African/African-American, 0.0013%; no homozygotes.

Submissions (6):

Ambry Genetics
Classification: Uncertain significance for Inborn genetic diseases. Last evaluated: 2025-04-02. Review status: criteria provided, single submitter. Criteria: Ambry Variant Classification Scheme 2023. Collection method: clinical testing. Allele origin: germline.

All of Us Research Program, National Institutes of Health
Classification: Uncertain significance for Malignant hyperthermia, susceptibility to, 1. Last evaluated: 2023-08-15. Review status: criteria provided, single submitter. Criteria: ACMG Guidelines, 2015. Collection method: clinical testing. Allele origin: germline. Inheritance: Autosomal dominant inheritance. Observed: 6 variant alleles, 6 heterozygotes.
Comment: This missense variant replaces serine with phenylalanine at codon 4073 of the RYR1 protein. Computational prediction suggests that this variant may not impact protein structure and function (internally defined REVEL score threshold <= 0.5, PMID: 27666373). To our knowledge, functional studies have not been reported for this variant. This variant has not been reported in individuals affected with RYR1-related disorders in the literature. This variant has been identified in 1/251492 chromosomes in the general population by the Genome Aggregation Database (gnomAD). The available evidence is insufficient to determine the role of this variant in disease conclusively. Therefore, this variant is classified as a Variant of Uncertain Significance.

This study involves interpretation of variants in research participants for the purpose of population health screening. Participant phenotype was not available at the time of variant classification. Additional details can be found in publication PMID: 35346344, PMCID: PMC8962531

Fulgent Genetics
Classification: Uncertain significance for Central core myopathy; Malignant hyperthermia, susceptibility to, 1; Congenital myopathy 4A, autosomal dominant; Congenital multicore myopathy with external ophthalmoplegia; King Denborough syndrome. Last evaluated: 2021-08-03. Review status: criteria provided, single submitter. Criteria: ACMG Guidelines, 2015. Collection method: clinical testing. Allele origin: unknown.

Illumina Laboratory Services, Illumina
Classification: Uncertain significance for Malignant hyperthermia, susceptibility to, 1. Last evaluated: 2018-01-13. Review status: criteria provided, single submitter. Criteria: ICSL Variant Classification Criteria 13 December 2019. Collection method: clinical testing. Allele origin: germline.

Illumina Laboratory Services, Illumina
Classification: Uncertain significance for Congenital multicore myopathy with external ophthalmoplegia. Last evaluated: 2018-01-13. Review status: criteria provided, single submitter. Criteria: ICSL Variant Classification Criteria 13 December 2019. Collection method: clinical testing. Allele origin: germline.

Illumina Laboratory Services, Illumina
Classification: Uncertain significance for Central core myopathy. Last evaluated: 2018-01-13. Review status: criteria provided, single submitter. Criteria: ICSL Variant Classification Criteria 13 December 2019. Collection method: clinical testing. Allele origin: germline.